The following is an entry in ClinVar:

NM_017763.6(RNF43):c.1724T>G (p.Val575Gly)

Gene: RNF43 (ring finger protein 43; minus strand). Cytogenetic location: 17q22.
Variant type: single nucleotide variant.
Coding change: c.1724T>G on transcript NM_017763.6 (MANE Select); coding-DNA position 1724, T replaced by G.
Protein change: p.Val575Gly; replaces valine 575 with glycine.
Molecular consequence: missense variant.
Genome position (GRCh38, 1-based): chr17:58,358,052, A>C on the plus strand (T>G on the coding strand, the complement: RNF43 is on the minus strand). VCF-style: chr17-58358052-A-C. GRCh37 (hg19) VCF-style: chr17-56435413-A-C.
Other names: c.1724T>G, p.Val575Gly (NM_001438822.1, NM_001305544.3, NM_001438820.1 and 1 more transcripts); c.1343T>G, p.Val448Gly (NM_001305545.2, NM_001437987.1); short protein forms V575G, V448G.
Identifiers: ClinVar variation 5028357 (VCV005028357.1).

ClinVar aggregate classification (germline): Uncertain significance (1 of 4 stars; one submission).

Submission:

Ambry Genetics
Classification: Uncertain significance. Last evaluated: 2026-08-29. Review status: criteria provided, single submitter. Criteria: Ambry Variant Classification Scheme 2023. Collection method: clinical testing. Allele origin: germline.
Comment: The p.V575G variant (also known as c.1724T>G), located in coding exon 8 of the RNF43 gene, results from a T to G substitution at nucleotide position 1724. The valine at codon 575 is replaced by glycine, an amino acid with dissimilar properties. This amino acid position is conserved. In addition, this alteration is predicted to be tolerated by in silico analysis. Based on the available evidence, the clinical significance of this variant remains unclear.